The following is an entry in ClinVar:

ClinVar aggregate classification (germline): Uncertain significance. Review status: criteria provided, multiple submitters, no conflicts (2 of 4 stars). 2 submissions from 2 submitters: Uncertain significance (2). Last evaluated 2023-07-01.

Conditions:
Acromelic frontonasal dysostosis (AFND). Identifiers: Orphanet 1827, MedGen C1863616, MONDO:0011359, OMIM 603671.
Neurodevelopmental disorder with movement abnormalities, abnormal gait, and autistic features. Identifiers: MedGen C4693405, MONDO:0060642, OMIM 617865.

Submissions (2):

CeGaT Center for Human Genetics Tuebingen
Classification: Uncertain significance. Last evaluated: 2023-07-01. Review status: criteria provided, single submitter. Criteria: CeGaT Center For Human Genetics Tuebingen Variant Classification Criteria Version 2. Collection method: clinical testing. Allele origin: germline. Affected: yes. Observed: 1 variant allele.

Juno Genomics, Hangzhou Juno Genomics, Inc
Classification: Uncertain significance for Acromelic frontonasal dysostosis; Neurodevelopmental disorder with movement abnormalities, abnormal gait, and autistic features. Review status: criteria provided, single submitter. Criteria: ACMG Guidelines, 2015. Collection method: clinical testing. Allele origin: germline.
Comment: Absent from controls (or at extremely low frequency if recessive) in Genome Aggregation Database.

NM_020928.2(ZSWIM6):c.1836dup (p.Glu613fs)

Gene: ZSWIM6 (zinc finger SWIM-type containing 6; plus strand). Cytogenetic location: 5q12.1.
Variant type: Duplication.
Coding change: c.1836dup on transcript NM_020928.2 (MANE Select); coding-DNA position 1836, one base duplicated (A; older notation c.1836dupA).
Protein change: p.Glu613fs; shifts the reading frame from glutamic acid 613.
Molecular consequence: frameshift variant.
Genome position (GRCh38, 1-based): chr5:61,526,395, A duplicated; the last of 8 consecutive A bases (chr5:61,526,388-61,526,395); duplicating any one gives the same sequence. VCF-style (leftmost placement, unchanged base first): chr5-61526387-C-CA. GRCh37 (hg19) VCF-style: chr5-60822214-C-CA.
Other names: short protein forms E613fs.
Identifiers: ClinVar variation 2655484 (VCV002655484.25), dbSNP rs761606372, ClinGen allele CA3278383.